The following is an entry in ClinVar:

NM_004629.2(FANCG):c.1475A>G (p.Glu492Gly)

Gene: FANCG (FA complementation group G; minus strand). Cytogenetic location: 9p13.3.
Variant type: single nucleotide variant.
Coding change: c.1475A>G on transcript NM_004629.2 (MANE Select); coding-DNA position 1475, A replaced by G.
Protein change: p.Glu492Gly; replaces glutamic acid 492 with glycine.
Molecular consequence: missense variant.
Genome position (GRCh38, 1-based): chr9:35,075,284, T>C on the plus strand (A>G on the coding strand, the complement: FANCG is on the minus strand). VCF-style: chr9-35075284-T-C. GRCh37 (hg19) VCF-style: chr9-35075281-T-C.
Other names: short protein forms E492G.
Identifiers: ClinVar variation 5036540 (VCV005036540.1).
Genomic context (GRCh38, chr9:35,075,284, plus strand): 5'-ACTTCCACCACTACCACTTCCAGGAGGTAAGAGGAAAACTGAAAGTTTAGATCACCTTGT[T>C]CTTTTTCCTCAGGTGTGGCCCGGAAGAGCAGCTCGAGGCACCTGAAGTAGGACACAGAAC-3'
Protein context (NP_004620.1, residues 482-502): LLFRATPEEK[Glu492Gly]QGAAFNCEQG

ClinVar aggregate classification (germline): Uncertain significance (1 of 4 stars; one submission).

Conditions:
Inborn genetic diseases. Identifiers: MedGen C0950123, MeSH D030342.

Submission:

Ambry Genetics
Classification: Uncertain significance for Inborn genetic diseases. Last evaluated: 2026-08-29. Review status: criteria provided, single submitter. Criteria: Ambry Variant Classification Scheme 2023. Collection method: clinical testing. Allele origin: germline.
Comment: The p.E492G variant (also known as c.1475A>G), located in coding exon 11 of the FANCG gene, results from an A to G substitution at nucleotide position 1475. The glutamic acid at codon 492 is replaced by glycine, an amino acid with similar properties. This amino acid position is conserved. In addition, this alteration is predicted to be tolerated by in silico analysis. Based on the available evidence, the clinical significance of this variant remains unclear.